The following is an entry in ClinVar:

NM_000435.3(NOTCH3):c.228T>G (p.Cys76Trp)

Gene: NOTCH3 (notch receptor 3; minus strand). Cytogenetic location: 19p13.12.
Variant type: single nucleotide variant.
Coding change: c.228T>G on transcript NM_000435.3 (MANE Select); coding-DNA position 228, T replaced by G.
Protein change: p.Cys76Trp; replaces cysteine 76 with tryptophan.
Molecular consequence: missense variant.
Genome position (GRCh38, 1-based): chr19:15,192,489, A>C on the plus strand (T>G on the coding strand, the complement: NOTCH3 is on the minus strand). VCF-style: chr19-15192489-A-C. GRCh37 (hg19) VCF-style: chr19-15303300-A-C.
Other names: short protein forms C76W.
Identifiers: ClinVar variation 3381844 (VCV003381844.2).
Genomic context (GRCh38, chr19:15,192,489, plus strand): 5'-TGAACTCTGGCAGACACCACGGCCAGCACAGGGGCCTGAGTGACAGGGGTCCTCCAGCTG[A>C]CACCGCTCACCCACCCAGCCAGGCGGGCACCTGTGGGCAGAGATGGCTTGGTTGGGCAGC-3'
Protein context (NP_000426.2, residues 66-86): LCPPGWVGER[Cys76Trp]QLEDPCHSGP

ClinVar aggregate classification (germline): Uncertain significance (1 of 4 stars; one submission).

Conditions:
Cerebral arteriopathy, autosomal dominant, with subcortical infarcts and leukoencephalopathy, type 1 (CADASIL1). Also called: CASIL; Cerebral arteriopathy with subcortical infarcts and leukoencephalopathy 1; CADASIL 1; DEMENTIA, HEREDITARY MULTIINFARCT TYPE. Identifiers: Orphanet 136, MedGen C4551768, MONDO:0000914, OMIM 125310.
Myofibromatosis, infantile, 2. Identifiers: Orphanet 2591, MedGen C3809084, MONDO:0014122, OMIM 615293.
Lateral meningocele syndrome (LMNS). Also called: NOTCH3-Related Lateral Meningocele Syndrome. Identifiers: Orphanet 2789, MedGen C1851710, MONDO:0007537, OMIM 130720.

Submission:

Juno Genomics, Hangzhou Juno Genomics, Inc
Classification: Uncertain significance for Myofibromatosis, infantile, 2; Cerebral arteriopathy, autosomal dominant, with subcortical infarcts and leukoencephalopathy, type 1; Lateral meningocele syndrome. Review status: criteria provided, single submitter. Criteria: ACMG Guidelines, 2015. Collection method: clinical testing. Allele origin: germline. Affected: yes.
Comment: Absent from controls (or at extremely low frequency if recessive) in Genome Aggregation Database, Exome Sequencing Project, 1000 Genomes Project, or Exome Aggregation Consortium.;The prevalence of the variant in affected individuals is significantly increased compared to the prevalence in controls.;Multiple lines of computational evidence support a deleterious effect on the gene or gene product (conservation, evolutionary, splicing impact, etc).